The following is an entry in ClinVar:

ClinVar aggregate classification (germline): Pathogenic. Review status: criteria provided, single submitter (1 of 4 stars). 3 submissions from 3 submitters: Pathogenic (1). 2 of the submissions do not count toward it. Last evaluated 2025-10-02.

Conditions:
Atypical hemolytic-uremic syndrome. Identifiers: Orphanet 2134, MedGen C2931788, MONDO:0016244.
Hemolytic uremic syndrome, atypical, susceptibility to, 1. Also called: AHUS, SUSCEPTIBILITY TO, 1. Identifiers: Orphanet 2134, Orphanet 90038, MedGen C2749604, MONDO:0009335, OMIM 235400. Disease mechanism: Other.

gnomAD v4.1: 1 of 1,613,908 alleles (0.000062%); highest among the groups gnomAD compares: Admixed American, 0.0017%; no homozygotes.

Submissions (3):

Genomenon, Inc
Classification: Pathogenic for Atypical hemolytic-uremic syndrome. Last evaluated: 2025-10-02. Review status: criteria provided, single submitter. Criteria: Genomenon Sequence Variant Interpretation Standards - Updated. Collection method: curation. Allele origin: germline. Affected: yes.
Comment: CFH p.Arg1215Gly (c.3643C>G) is a missense variant that changes the amino acid at residue 1215 from Arginine to Glycine. This variant has been observed in at least one proband affected with atypical hemolytic-uremic syndrome (PMID:9551389;25951460;25899302;37466676;28176471;12697737;25037630;24029428;11170896). The variant was found to segregate with disease in at least one affected family (PMID:9551389). At least one functional study has demonstrated a substantial alteration in protein function relative to the wild-type (PMID:19454698;19680263;16338962). It is absent or not present at a significant frequency in gnomAD. In conclusion, we classify CFH p.Arg1215Gly (c.3643C>G) as a pathogenic variant.

Sydney Genome Diagnostics, Children's Hospital Westmead
Classification: Pathogenic for Atypical hemolytic-uremic syndrome. Last evaluated: 2017-10-25. Review status: no assertion criteria provided. Collection method: clinical testing. Allele origin: unknown. Affected: yes. Observed: 1 variant allele, 1 heterozygote. Not counted in ClinVar's aggregate classification.
Comment: The c.3643C>G variant has not been reported in any population databases (i.e. gnomAD, ExAC or ESP). This variant has been previously described in the literature and the FH aHUS Mutation Database. In particular, this variant (first reported as R1197G, then R1215G) has been reported in the heterozygous state in multiple affected individuals in a large pedigree, including two individuals with first presentation at 5 months (Edelsten and Tuck 1978 Arch Dis Child 53:255-256; Warwicker et al 1998 Kidney International 53: 836-844; Sansbury et al 2014 Med Genet 51:756-764). The pedigree supported an autosomal dominant mode of inheritance, with incomplete penetrance. In vitro analysis of the p.Arg1215Gly mutant protein showed significant impact on protein function, indicative of loss-of-function (Jozsi et al 2006 J Am Soc Nephrol 17:170-177; Ferreira et al 2009 J Immunol 192:7009-7018). This variant is considered to be pathogenic according to the ACMG guidelines.

OMIM
Classification: risk factor for HEMOLYTIC UREMIC SYNDROME, ATYPICAL, SUSCEPTIBILITY TO, 1. Last evaluated: 2003-04-01. Review status: no assertion criteria provided. Collection method: literature only. Allele origin: germline. Not counted in ClinVar's aggregate classification.

Literature cited by the submitters: PubMed 9551389 (cited by Genomenon, Inc and OMIM); PubMed 25951460 (cited by Genomenon, Inc); PubMed 25899302 (cited by Genomenon, Inc); PubMed 37466676 (cited by Genomenon, Inc); PubMed 28176471 (cited by Genomenon, Inc); PubMed 12697737 (cited by Genomenon, Inc and OMIM); PubMed 25037630 (cited by Genomenon, Inc); PubMed 24029428 (cited by Genomenon, Inc); PubMed 11170896 (cited by Genomenon, Inc and OMIM); PubMed 19454698 (cited by Genomenon, Inc); PubMed 19680263 (cited by Genomenon, Inc); PubMed 16338962 (cited by Genomenon, Inc); PubMed 646435 (cited by OMIM); Goodship, J., Warwicker, P., Pirson, Y., Nicholls, A., Turnpenny, P., Goodship, T. Haemolytic uremic syndrome maps to chromosome 1q and is associated with mutations in the complement factor H gene. (Abstract) Am. J. Hum. Genet. 61 (suppl.): A56-only, 1997. (cited by OMIM).

NM_000186.4(CFH):c.3643C>G (p.Arg1215Gly)

Gene: CFH (complement factor H; plus strand). Cytogenetic location: 1q31.3.
Variant type: single nucleotide variant.
Coding change: c.3643C>G on transcript NM_000186.4 (MANE Select); coding-DNA position 3643, C replaced by G.
Protein change: p.Arg1215Gly; replaces arginine 1215 with glycine.
Molecular consequence: missense variant.
Genome position (GRCh38, 1-based): chr1:196,747,260, C>G. VCF-style: chr1-196747260-C-G. GRCh37 (hg19) VCF-style: chr1-196716390-C-G.
Other names: short protein forms R1215G.
Identifiers: ClinVar variation 16542 (VCV000016542.4), dbSNP rs121913051, ClinGen allele CA257490.
Genomic context (GRCh38, chr1:196,747,260, plus strand): 5'-GAATCAGTTGAATTTGTGTGTAAACGGGGATATCGTCTTTCATCACGTTCTCACACATTG[C>G]GAACAACATGTTGGGATGGGAAACTGGAGTATCCAACTTGTGCAAAAAGATAGAATCAAT-3'
Protein context (NP_000177.2, residues 1205-1225): YRLSSRSHTL[Arg1215Gly]TTCWDGKLEY